The following is an entry in ClinVar:

ClinVar aggregate classification (germline): Likely benign (0 of 4 stars; one submission).

Conditions:
AKR1D1-related disorder. Also called: AKR1D1-related condition.

Allele frequency attached by ClinVar (database versions not stated): gnomAD exomes 0.00002.
gnomAD v4.1: 31 of 1,613,874 alleles (0.0019%); highest among the groups gnomAD compares: Admixed American, 0.005%; no homozygotes.

Submission:

PreventionGenetics, part of Exact Sciences
Classification: Likely benign for AKR1D1-related condition. Last evaluated: 2024-02-08. Review status: no assertion criteria provided. Collection method: clinical testing. Allele origin: germline.
Comment: This variant is classified as likely benign based on ACMG/AMP sequence variant interpretation guidelines (Richards et al. 2015 PMID: 25741868, with internal and published modifications).

NM_005989.4(AKR1D1):c.931T>C (p.Leu311=)

Gene: AKR1D1 (aldo-keto reductase family 1 member D1; plus strand). Cytogenetic location: 7q33.
Variant type: single nucleotide variant.
Coding change: c.931T>C on transcript NM_005989.4 (MANE Select); coding-DNA position 931, T replaced by C.
Protein change: p.Leu311=; no amino-acid change (leucine 311 retained).
Molecular consequence: synonymous variant. On other transcripts: intron variant (1).
Genome position (GRCh38, 1-based): chr7:138,113,765, T>C. VCF-style: chr7-138113765-T-C. GRCh37 (hg19) VCF-style: chr7-137798511-T-C.
Other names: c.808T>C, p.Leu270= (NM_001190906.2); c.856-2855T>C (NM_001190907.2).
Identifiers: ClinVar variation 3028989 (VCV003028989.2), dbSNP rs1362573972, ClinGen allele CA457922472.